The following is an entry in ClinVar:

NM_017617.5(NOTCH1):c.4020C>A (p.Phe1340Leu)

Gene: NOTCH1 (notch receptor 1; minus strand). Cytogenetic location: 9q34.3.
Variant type: single nucleotide variant.
Coding change: c.4020C>A on transcript NM_017617.5 (MANE Select); coding-DNA position 4020, C replaced by A.
Protein change: p.Phe1340Leu; replaces phenylalanine 1340 with leucine.
Molecular consequence: missense variant.
Genome position (GRCh38, 1-based): chr9:136,505,876, G>T on the plus strand (C>A on the coding strand, the complement: NOTCH1 is on the minus strand). VCF-style: chr9-136505876-G-T. GRCh37 (hg19) VCF-style: chr9-139400328-G-T.
Other names: short protein forms F1340L.
Identifiers: ClinVar variation 1310199 (VCV001310199.2), dbSNP rs1241964591, ClinGen allele CA375548412.

ClinVar aggregate classification (germline): Uncertain significance (1 of 4 stars; one submission).

gnomAD v4.1: 1 of 1,588,762 alleles (0.000063%); highest among the groups gnomAD compares: Non-Finnish European, 0.000085%; no homozygotes.

Submission:

GeneDx
Classification: Uncertain significance. Last evaluated: 2019-11-14. Review status: criteria provided, single submitter. Criteria: GeneDx Variant Classification Process June 2021. Collection method: clinical testing. Allele origin: germline. Affected: yes.
Comment: Has not been previously published as pathogenic or benign to our knowledge; In silico analysis, which includes protein predictors and evolutionary conservation, supports a deleterious effect; Not observed in large population cohorts (Lek et al., 2016)